The following is an entry in ClinVar:

ClinVar aggregate classification (germline): Uncertain significance. Review status: criteria provided, multiple submitters, no conflicts (2 of 4 stars). 2 submissions from 2 submitters: Uncertain significance (2). Last evaluated 2024-10-28.

Conditions:
Neuronal ceroid lipofuscinosis 7 (CLN7). Also called: MFSD8-Related Neuronal Ceroid-Lipofuscinosis. Identifiers: Orphanet 168491, Orphanet 228366, MedGen C1838571, MONDO:0012588, OMIM 610951.

Allele frequency attached by ClinVar (database versions not stated): gnomAD exomes 0.00001 and 0.00006; gnomAD 0.00003; TOPMed 0.00003; ExAC 0.00007; 1000 Genomes Project 30x 0.00016; 1000 Genomes Project 0.00020.
gnomAD v4.1: 15 of 1,614,052 alleles (0.00093%); highest among the groups gnomAD compares: East Asian, 0.031%; no homozygotes.

Submissions (2):

Blueprint Genetics
Classification: Uncertain significance. Last evaluated: 2024-10-28. Review status: criteria provided, single submitter. Criteria: ACMG Guidelines, 2015. Collection method: clinical testing. Allele origin: germline.

Labcorp Genetics (formerly Invitae), Labcorp
Classification: Uncertain significance for Neuronal ceroid lipofuscinosis 7. Last evaluated: 2021-10-20. Review status: criteria provided, single submitter. Criteria: Invitae Variant Classification Sherloc (09022015). Collection method: clinical testing. Allele origin: germline.
Comment: This sequence change replaces glycine with serine at codon 86 of the MFSD8 protein (p.Gly86Ser). The glycine residue is highly conserved and there is a small physicochemical difference between glycine and serine. This variant is present in population databases (rs552923962, ExAC 0.1%). This variant has not been reported in the literature in individuals affected with MFSD8-related conditions. Algorithms developed to predict the effect of missense changes on protein structure and function are either unavailable or do not agree on the potential impact of this missense change (SIFT: "Tolerated"; PolyPhen-2: "Probably Damaging"; Align-GVGD: "Class C0"). In summary, the available evidence is currently insufficient to determine the role of this variant in disease. Therefore, it has been classified as a Variant of Uncertain Significance.

NM_001371596.2(MFSD8):c.256G>A (p.Gly86Ser)

Gene: MFSD8 (major facilitator superfamily domain containing 8; minus strand). Cytogenetic location: 4q28.2.
Variant type: single nucleotide variant.
Coding change: c.256G>A on transcript NM_001371596.2 (MANE Select); coding-DNA position 256, G replaced by A.
Protein change: p.Gly86Ser; replaces glycine 86 with serine.
Molecular consequence: missense variant.
Genome position (GRCh38, 1-based): chr4:127,943,935, C>T on the plus strand (G>A on the coding strand, the complement: MFSD8 is on the minus strand). VCF-style: chr4-127943935-C-T. GRCh37 (hg19) VCF-style: chr4-128865090-C-T.
Other names: c.256G>A, p.Gly86Ser (NM_001363520.3, NM_001363521.3, NM_001371591.2 and 5 more transcripts); c.121G>A, p.Gly41Ser (NM_001371590.2, NM_001371595.1, NM_001410765.1); short protein forms G41S, G86S.
Identifiers: ClinVar variation 1380114 (VCV001380114.5), dbSNP rs552923962, ClinGen allele CA3077508.
Genomic context (GRCh38, chr4:127,943,935, plus strand): 5'-GCTCTTTTCTTGGTCTATAATTAGACCATAAACCAAATATAGGTGAAGCTACCATTTGGC[C>T]AAGACTATATGAAGCAATAACCCAGCCCAAAAAACTTGTATCAGCTGTCGGATCAATCTG-3'
Protein context (NP_001358525.1, residues 76-96): LGWVIASYSL[Gly86Ser]QMVASPIFGL